The following is an entry in ClinVar:

ClinVar aggregate classification (germline): Likely benign (1 of 4 stars; one submission).

Conditions:
ADCY3-related disorder. Also called: ADCY3-related condition.

gnomAD v4.1: 10 of 1,611,370 alleles (0.00062%); highest among the groups gnomAD compares: African/African-American, 0.0027%; no homozygotes.

Submission:

PreventionGenetics, part of Exact Sciences
Classification: Likely benign for ADCY3-related condition. Last evaluated: 2025-11-17. Review status: criteria provided, single submitter. Criteria: ACMG Guidelines, 2015. Collection method: clinical testing. Allele origin: germline.
Comment: This variant is classified as likely benign based on ACMG/AMP sequence variant interpretation guidelines (Richards et al. 2015 PMID: 25741868, with internal and published modifications).

NM_004036.5(ADCY3):c.1662+3A>G

Gene: ADCY3 (adenylate cyclase 3; minus strand). Cytogenetic location: 2p23.3.
Variant type: single nucleotide variant.
Coding change: c.1662+3A>G on transcript NM_004036.5 (MANE Select); 3 bases into the intron after coding-DNA position 1662, A replaced by G.
Molecular consequence: intron variant.
Genome position (GRCh38, 1-based): chr2:24,836,914, T>C on the plus strand (A>G on the coding strand, the complement: ADCY3 is on the minus strand). VCF-style: chr2-24836914-T-C. GRCh37 (hg19) VCF-style: chr2-25059783-T-C.
Other names: c.1662+3A>G (NM_001377130.1, NM_001377129.1, NM_001320613.2 and 1 more transcripts); c.1728+3A>G (NM_001377128.1); c.939+3A>G (NM_001377131.1).
Identifiers: ClinVar variation 5000691 (VCV005000691.1).